The following is an entry in ClinVar:

ClinVar aggregate classification (germline): Uncertain significance (1 of 4 stars; one submission).

Conditions:
Hereditary cancer-predisposing syndrome. Also called: Neoplastic Syndromes, Hereditary; Tumor predisposition; Hereditary neoplastic syndrome; Hereditary Cancer Syndrome. Identifiers: Orphanet 140162, MedGen C0027672, MeSH D009386, MONDO:0015356.
Cardiovascular phenotype. Identifiers: MedGen CN230736.

Allele frequency attached by ClinVar (database versions not stated): gnomAD exomes below 0.00001.
gnomAD v4.1: 1 of 1,583,684 alleles (0.000063%); highest among the groups gnomAD compares: Non-Finnish European, 0.000086%; no homozygotes.

Submission:

Ambry Genetics
Classification: Uncertain significance for Cardiovascular phenotype; Hereditary cancer-predisposing syndrome. Last evaluated: 2023-04-19. Review status: criteria provided, single submitter. Criteria: Ambry Variant Classification Scheme 2023. Collection method: clinical testing. Allele origin: germline.
Comment: The p.Y297S variant (also known as c.890A>C), located in coding exon 9 of the LZTR1 gene, results from an A to C substitution at nucleotide position 890. The tyrosine at codon 297 is replaced by serine, an amino acid with dissimilar properties. This amino acid position is conserved. In addition, this alteration is predicted to be deleterious by in silico analysis. Since supporting evidence is limited at this time, the clinical significance of this alteration remains unclear.

NM_006767.4(LZTR1):c.890A>C (p.Tyr297Ser)

Gene: LZTR1 (leucine zipper like post translational regulator 1; plus strand). Cytogenetic location: 22q11.21.
Variant type: single nucleotide variant.
Coding change: c.890A>C on transcript NM_006767.4 (MANE Select); coding-DNA position 890, A replaced by C.
Protein change: p.Tyr297Ser; replaces tyrosine 297 with serine.
Molecular consequence: missense variant.
Genome position (GRCh38, 1-based): chr22:20,991,726, A>C. VCF-style: chr22-20991726-A-C. GRCh37 (hg19) VCF-style: chr22-21346015-A-C.
Other names: short protein forms Y297S.
Identifiers: ClinVar variation 3238363 (VCV003238363.1), dbSNP rs1478860986.